The following is an entry in ClinVar:

NM_170784.3(MKKS):c.1630G>T (p.Ala544Ser)

Gene: MKKS (MKKS centrosomal shuttling protein; minus strand). Cytogenetic location: 20p12.2.
Variant type: single nucleotide variant.
Coding change: c.1630G>T on transcript NM_170784.3 (MANE Select); coding-DNA position 1630, G replaced by T.
Protein change: p.Ala544Ser; replaces alanine 544 with serine.
Molecular consequence: missense variant. On other transcripts: non-coding transcript variant (1).
Genome position (GRCh38, 1-based): chr20:10,405,330, C>A on the plus strand (G>T on the coding strand, the complement: MKKS is on the minus strand). VCF-style: chr20-10405330-C-A. GRCh37 (hg19) VCF-style: chr20-10385978-C-A.
Other names: c.1630G>T, p.Ala544Ser (NM_018848.3); short protein forms A544S.
Identifiers: ClinVar variation 2628704 (VCV002628704.1), dbSNP rs1158712960, ClinGen allele CA408230475.
Genomic context (GRCh38, chr20:10,405,330, plus strand): 5'-ATGAAAGATCCAAAATCAAATTGGCTGTCTCTACAGCCACCTGTAGGCCACTAAGCTTTG[C>A]AGTCAAACAGTCCAAGGTCAGGTTGCTGGCTGAGCCCACAGCTTCATGTGGAAGGCAGCT-3'
Protein context (NP_740754.1, residues 534-554): ASNLTLDCLT[Ala544Ser]KLSGLQVAVE

ClinVar aggregate classification (germline): Uncertain significance (1 of 4 stars; one submission).

Conditions:
MKKS-related disorder. Also called: MKKS-related condition; MKKS-related disorders.

gnomAD v4.1: 4 of 1,614,090 alleles (0.00025%); highest among the groups gnomAD compares: Non-Finnish European, 0.00034%; no homozygotes.

Submission:

PreventionGenetics, part of Exact Sciences
Classification: Uncertain significance for MKKS-related condition. Last evaluated: 2023-09-08. Review status: criteria provided, single submitter. Criteria: ACMG Guidelines, 2015. Collection method: clinical testing. Allele origin: germline.
Comment: The MKKS c.1630G>T variant is predicted to result in the amino acid substitution p.Ala544Ser. To our knowledge, this variant has not been reported in the literature. This variant is reported in 0.00088% of alleles in individuals of European (Non-Finnish) descent in gnomAD. At this time, the clinical significance of this variant is uncertain due to the absence of conclusive functional and genetic evidence.